The following is an entry in ClinVar:

ClinVar aggregate classification (germline): Uncertain significance (1 of 4 stars; one submission).

Conditions:
Aicardi-Goutieres syndrome 7 (AGS7). Identifiers: Orphanet 51, MedGen C3888244, MONDO:0014367, OMIM 615846.
Singleton-Merten syndrome 1 (SGMRT1). Also called: Widened medullary cavities of bone, aortic calcification, abnormal dentition, and muscular weakness; Syndrome of widened medullary cavities of the metacarpals and phalanges, aortic calcification and abnormal dentition. Identifiers: Orphanet 85191, MedGen C4225427, MONDO:0024535, OMIM 182250.

Allele frequency attached by ClinVar (database versions not stated): gnomAD exomes below 0.00001; TOPMed below 0.00001.
gnomAD v4.1: 3 of 1,611,920 alleles (0.00019%); highest among the groups gnomAD compares: Non-Finnish European, 0.00017%; no homozygotes.

Submission:

Labcorp Genetics (formerly Invitae), Labcorp
Classification: Uncertain significance for Aicardi-Goutieres syndrome 7; Singleton-Merten syndrome 1. Last evaluated: 2022-02-22. Review status: criteria provided, single submitter. Criteria: Invitae Variant Classification Sherloc (09022015). Collection method: clinical testing. Allele origin: germline.
Comment: In summary, the available evidence is currently insufficient to determine the role of this variant in disease. Therefore, it has been classified as a Variant of Uncertain Significance. Algorithms developed to predict the effect of missense changes on protein structure and function (SIFT, PolyPhen-2, Align-GVGD) all suggest that this variant is likely to be disruptive. This variant has not been reported in the literature in individuals affected with IFIH1-related conditions. This variant is present in population databases (no rsID available, gnomAD 0.0009%). This sequence change replaces leucine, which is neutral and non-polar, with histidine, which is basic and polar, at codon 417 of the IFIH1 protein (p.Leu417His).

NM_022168.4(IFIH1):c.1250T>A (p.Leu417His)

Gene: IFIH1 (interferon induced with helicase C domain 1; minus strand). Cytogenetic location: 2q24.2.
Variant type: single nucleotide variant.
Coding change: c.1250T>A on transcript NM_022168.4 (MANE Select); coding-DNA position 1250, T replaced by A.
Protein change: p.Leu417His; replaces leucine 417 with histidine.
Molecular consequence: missense variant.
Genome position (GRCh38, 1-based): chr2:162,282,422, A>T on the plus strand (T>A on the coding strand, the complement: IFIH1 is on the minus strand). VCF-style: chr2-162282422-A-T. GRCh37 (hg19) VCF-style: chr2-163138932-A-T.
Other names: short protein forms L417H.
Identifiers: ClinVar variation 2101822 (VCV002101822.4), dbSNP rs1266525372, ClinGen allele CA349002764.